The following is an entry in ClinVar:

NM_000748.3(CHRNB2):c.803del (p.Leu268fs)

Gene: CHRNB2 (cholinergic receptor nicotinic beta 2 subunit; plus strand). Cytogenetic location: 1q21.3.
Variant type: Deletion.
Coding change: c.803del on transcript NM_000748.3 (MANE Select); coding-DNA position 803, one base deleted (T; older notation c.803delT).
Protein change: p.Leu268fs; shifts the reading frame from leucine 268.
Molecular consequence: frameshift variant.
Genome position (GRCh38, 1-based): chr1:154,571,626, T deleted; the last of 2 consecutive T bases (chr1:154,571,625-154,571,626); deleting either gives the same sequence. VCF-style (leftmost placement, unchanged base first): chr1-154571624-GT-G. GRCh37 (hg19) VCF-style: chr1-154544100-GT-G.
Other names: short protein forms L268fs.
Identifiers: ClinVar variation 3726775 (VCV003726775.2).

ClinVar aggregate classification (germline): Uncertain significance (1 of 4 stars; one submission).

Conditions:
Familial sleep-related hypermotor epilepsy. Also called: Autosomal Dominant Sleep-Related Hypermotor (Hyperkinetic) Epilepsy. Identifiers: Orphanet 98784, MedGen C3696898, MONDO:0000030.

Submission:

Labcorp Genetics (formerly Invitae), Labcorp
Classification: Uncertain significance. Last evaluated: 2024-12-07. Review status: criteria provided, single submitter. Criteria: Invitae Variant Classification Sherloc (09022015). Collection method: clinical testing. Allele origin: germline.
Comment: This sequence change creates a premature translational stop signal (p.Leu268Cysfs*68) in the CHRNB2 gene. It is expected to result in an absent or disrupted protein product. However, the current clinical and genetic evidence is not sufficient to establish whether loss-of-function variants in CHRNB2 cause disease. This variant is not present in population databases (gnomAD no frequency). This variant has not been reported in the literature in individuals affected with CHRNB2-related conditions. In summary, the available evidence is currently insufficient to determine the role of this variant in disease. Therefore, it has been classified as a Variant of Uncertain Significance.